The following is an entry in ClinVar:

NM_004385.5(VCAN):c.4830T>A (p.Asp1610Glu)

Genes: VCAN (versican; plus strand), VCAN-AS1 (VCAN antisense RNA 1; minus strand). Cytogenetic location: 5q14.3.
Variant type: single nucleotide variant.
Coding change: c.4830T>A on transcript NM_004385.5 (MANE Select); coding-DNA position 4830, T replaced by A.
Protein change: p.Asp1610Glu; replaces aspartic acid 1610 with glutamic acid.
Molecular consequence: missense variant. On other transcripts: intron variant (2).
Genome position (GRCh38, 1-based): chr5:83,537,833, T>A. VCF-style: chr5-83537833-T-A. GRCh37 (hg19) VCF-style: chr5-82833652-T-A.
Other names: c.1869T>A, p.Asp623Glu (NM_001164097.2); c.4004-7704T>A (NM_001164098.2); c.1043-7704T>A (NM_001126336.3); short protein forms D1610E, D623E.
Identifiers: ClinVar variation 2079850 (VCV002079850.4), dbSNP rs1746786335, ClinGen allele CA360309090.

ClinVar aggregate classification (germline): Uncertain significance (1 of 4 stars; one submission).

Allele frequency attached by ClinVar (database versions not stated): TOPMed below 0.00001.

Submission:

Labcorp Genetics (formerly Invitae), Labcorp
Classification: Uncertain significance. Last evaluated: 2022-01-11. Review status: criteria provided, single submitter. Criteria: Invitae Variant Classification Sherloc (09022015). Collection method: clinical testing. Allele origin: germline.
Comment: This sequence change replaces aspartic acid, which is acidic and polar, with glutamic acid, which is acidic and polar, at codon 1610 of the VCAN protein (p.Asp1610Glu). This variant is not present in population databases (gnomAD no frequency). This variant has not been reported in the literature in individuals affected with VCAN-related conditions. Algorithms developed to predict the effect of missense changes on protein structure and function output the following: SIFT: "Tolerated"; PolyPhen-2: "Benign"; Align-GVGD: "Class C0". The glutamic acid amino acid residue is found in multiple mammalian species, which suggests that this missense change does not adversely affect protein function. In summary, the available evidence is currently insufficient to determine the role of this variant in disease. Therefore, it has been classified as a Variant of Uncertain Significance.